The following is an entry in ClinVar:

NM_000260.4(MYO7A):c.6616A>G (p.Ser2206Gly)

Gene: MYO7A (myosin VIIA; plus strand). Cytogenetic location: 11q13.5.
Variant type: single nucleotide variant.
Coding change: c.6616A>G on transcript NM_000260.4 (MANE Select); coding-DNA position 6616, A replaced by G.
Protein change: p.Ser2206Gly; replaces serine 2206 with glycine.
Molecular consequence: missense variant.
Genome position (GRCh38, 1-based): chr11:77,214,664, A>G. VCF-style: chr11-77214664-A-G. GRCh37 (hg19) VCF-style: chr11-76925709-A-G.
Other names: c.6496A>G, p.Ser2166Gly (NM_001127180.2); c.6469A>G, p.Ser2157Gly (NM_001369365.1); short protein forms S2157G, S2166G, S2206G.
Identifiers: ClinVar variation 4800495 (VCV004800495.1).

ClinVar aggregate classification (germline): Uncertain significance (1 of 4 stars; one submission).

Submission:

Labcorp Genetics (formerly Invitae), Labcorp
Classification: Uncertain significance. Last evaluated: 2025-10-05. Review status: criteria provided, single submitter. Criteria: Invitae Variant Classification Sherloc (09022015). Collection method: clinical testing. Allele origin: germline.
Comment: This sequence change replaces serine, which is neutral and polar, with glycine, which is neutral and non-polar, at codon 2206 of the MYO7A protein (p.Ser2206Gly). This variant is not present in population databases (gnomAD no frequency). This variant has not been reported in the literature in individuals affected with MYO7A-related conditions. Invitae Evidence Modeling of protein sequence and biophysical properties (such as structural, functional, and spatial information, amino acid conservation, physicochemical variation, residue mobility, and thermodynamic stability) indicates that this missense variant is not expected to disrupt MYO7A protein function with a negative predictive value of 95%. In summary, the available evidence is currently insufficient to determine the role of this variant in disease. Therefore, it has been classified as a Variant of Uncertain Significance.